The following is an entry in ClinVar:

NM_000414.4(HSD17B4):c.1096G>A (p.Glu366Lys)

Gene: HSD17B4 (hydroxysteroid 17-beta dehydrogenase 4; plus strand). Cytogenetic location: 5q23.1.
Variant type: single nucleotide variant.
Coding change: c.1096G>A on transcript NM_000414.4 (MANE Select); coding-DNA position 1096, G replaced by A.
Protein change: p.Glu366Lys; replaces glutamic acid 366 with lysine.
Molecular consequence: missense variant. On other transcripts: non-coding transcript variant (2).
Genome position (GRCh38, 1-based): chr5:119,499,440, G>A. VCF-style: chr5-119499440-G-A. GRCh37 (hg19) VCF-style: chr5-118835135-G-A.
Other names: c.685G>A, p.Glu229Lys (NM_001374501.1, NM_001374502.1, NM_001374503.1); c.1171G>A, p.Glu391Lys (NM_001199291.3); c.1042G>A, p.Glu348Lys (NM_001199292.2); c.1024G>A, p.Glu342Lys (NM_001292027.2); c.676G>A, p.Glu226Lys (NM_001292028.2); c.1087G>A, p.Glu363Lys (NM_001374497.1); c.1096G>A, p.Glu366Lys (NM_001374498.1); c.769G>A, p.Glu257Lys (NM_001374499.1); and 1 more; short protein forms E219K, E226K, E229K, E257K, E342K, E348K, E363K, E366K.
Identifiers: ClinVar variation 1715345 (VCV001715345.5), dbSNP rs1580624148, ClinGen allele CA360868117.
Genomic context (GRCh38, chr5:119,499,440, plus strand): 5'-ATGTATGCCCTTGGAGTGGGAGCGTCAATCAAGGATCCAAAAGATTTGAAATTTATTTAT[G>A]AAGGAAGTTCTGATTTCTCCTGTTTGCCCACCTTCGGAGTTATCATAGGTCAGAAATCTA-3'
Protein context (NP_000405.1, residues 356-376): KDPKDLKFIY[Glu366Lys]GSSDFSCLPT

ClinVar aggregate classification (germline): Uncertain significance (1 of 4 stars; one submission).

Conditions:
Bifunctional peroxisomal enzyme deficiency (DBIF). Also called: D-bifunctional protein deficiency; DBP DEFICIENCY; PBFE DEFICIENCY. Identifiers: Orphanet 300, MedGen C0342870, MONDO:0009855, OMIM 261515. Disease mechanism: loss of function.
Perrault syndrome. Also called: Gonadal dysgenesis with auditory dysfunction, autosomal recessive inheritance. Identifiers: Orphanet 2855, MedGen C0685838, MONDO:0017312.

Submission:

Labcorp Genetics (formerly Invitae), Labcorp
Classification: Uncertain significance for Perrault syndrome; Bifunctional peroxisomal enzyme deficiency. Last evaluated: 2022-08-06. Review status: criteria provided, single submitter. Criteria: Invitae Variant Classification Sherloc (09022015). Collection method: clinical testing. Allele origin: germline.
Comment: In summary, the available evidence is currently insufficient to determine the role of this variant in disease. Therefore, it has been classified as a Variant of Uncertain Significance. Advanced modeling of protein sequence and biophysical properties (such as structural, functional, and spatial information, amino acid conservation, physicochemical variation, residue mobility, and thermodynamic stability) performed at Invitae indicates that this missense variant is expected to disrupt HSD17B4 protein function. This variant has not been reported in the literature in individuals affected with HSD17B4-related conditions. This variant is not present in population databases (gnomAD no frequency). This sequence change replaces glutamic acid, which is acidic and polar, with lysine, which is basic and polar, at codon 366 of the HSD17B4 protein (p.Glu366Lys).